The following is an entry in ClinVar:

ClinVar aggregate classification (germline): Uncertain significance (1 of 4 stars; one submission).

Conditions:
Linear skin defects with multiple congenital anomalies 3 (LSDMCA3). Also called: LINEAR SKIN DEFECTS WITH CARDIOMYOPATHY AND OTHER CONGENITAL ANOMALIES. Identifiers: Orphanet 2556, MedGen C4225421, MONDO:0010494, OMIM 300952.

Submission:

Breda Genetics srl
Classification: Uncertain significance for Linear skin defects with multiple congenital anomalies 3. Last evaluated: 2021-05-18. Review status: criteria provided, single submitter. Criteria: ACMG Guidelines, 2015. Collection method: clinical testing. Allele origin: germline. Inheritance: X-linked dominant inheritance. Affected: yes. Observed: 1 variant allele, 1 heterozygote.
Comment: Based on allele frequency, in-silico prediction scores and a certain overlap with the clinical phenotype, we interpreted this variant at least as of uncertain significance. The lack of one or more of the following features has discouraged further investigations: lack of a possible second hit in autosomal recessive conditions, presence of healthy controls in databases for autosomal dominant conditions, presence of unmatching cardinal clinical features in the patient or in the known gene-disease association, and/or variant type outside the known gene mutational spectrum.

NM_001135998.3(NDUFB11):c.83G>T (p.Arg28Leu)

Gene: NDUFB11 (NADH:ubiquinone oxidoreductase subunit B11; minus strand). Cytogenetic location: Xp11.3.
Variant type: single nucleotide variant.
Coding change: c.83G>T on transcript NM_001135998.3 (MANE Select); coding-DNA position 83, G replaced by T.
Protein change: p.Arg28Leu; replaces arginine 28 with leucine.
Molecular consequence: missense variant.
Genome position (GRCh38, 1-based): chrX:47,144,597, C>A on the plus strand (G>T on the coding strand, the complement: NDUFB11 is on the minus strand). VCF-style: chrX-47144597-C-A. GRCh37 (hg19) VCF-style: chrX-47003996-C-A.
Other names: c.83G>T, p.Arg28Leu (NM_019056.7); short protein forms R28L.
Identifiers: ClinVar variation 1299427 (VCV001299427.1), dbSNP rs1931955439, ClinGen allele CA412782290.
Genomic context (GRCh38, chrX:47,144,597, plus strand): 5'-GGCCGCTTTCCCGCCACAGCGGACGGGGCGACCACAGTCCTGGAGAAGCTAGATTCCCAG[C>A]GGACGCGGGCGGCCGGGAGCCCTCGCGTCGCCGCTGCCGCCAAAAGACGGCGAGCGCTCA-3'
Protein context (NP_001129470.1, residues 18-38): ATRGLPAARV[Arg28Leu]WESSFSRTVV